The following is an entry in ClinVar:

ClinVar aggregate classification (germline): Uncertain significance (1 of 4 stars; one submission).

Conditions:
Inborn genetic diseases. Identifiers: MedGen C0950123, MeSH D030342.

Submission:

Ambry Genetics
Classification: Uncertain significance for Inborn genetic diseases. Last evaluated: 2023-10-15. Review status: criteria provided, single submitter. Criteria: Ambry Variant Classification Scheme 2023. Collection method: clinical testing. Allele origin: germline.
Comment: The p.D675Y variant (also known as c.2023G>T), located in coding exon 16 of the BUB1B gene, results from a G to T substitution at nucleotide position 2023. The aspartic acid at codon 675 is replaced by tyrosine, an amino acid with highly dissimilar properties. This amino acid position is conserved. In addition, this alteration is predicted to be tolerated by in silico analysis. Since supporting evidence is limited at this time, the clinical significance of this alteration remains unclear.

NM_001211.6(BUB1B):c.2023G>T (p.Asp675Tyr)

Gene: BUB1B (BUB1 mitotic checkpoint serine/threonine kinase B; plus strand). Cytogenetic location: 15q15.1.
Variant type: single nucleotide variant.
Coding change: c.2023G>T on transcript NM_001211.6 (MANE Select); coding-DNA position 2023, G replaced by T.
Protein change: p.Asp675Tyr; replaces aspartic acid 675 with tyrosine.
Molecular consequence: missense variant.
Genome position (GRCh38, 1-based): chr15:40,208,650, G>T. VCF-style: chr15-40208650-G-T. GRCh37 (hg19) VCF-style: chr15-40500851-G-T.
Other names: short protein forms D675Y.
Identifiers: ClinVar variation 3221372 (VCV003221372.1), dbSNP rs2542569375, ClinGen allele CA391693275.